The following is an entry in ClinVar:

NM_015164.4(PLEKHM2):c.1661A>G (p.Lys554Arg)

Gene: PLEKHM2 (pleckstrin homology and RUN domain containing M2; plus strand). Cytogenetic location: 1p36.21.
Variant type: single nucleotide variant.
Coding change: c.1661A>G on transcript NM_015164.4 (MANE Select); coding-DNA position 1661, A replaced by G.
Protein change: p.Lys554Arg; replaces lysine 554 with arginine.
Molecular consequence: missense variant.
Genome position (GRCh38, 1-based): chr1:15,727,733, A>G. VCF-style: chr1-15727733-A-G. GRCh37 (hg19) VCF-style: chr1-16054228-A-G.
Other names: short protein forms K554R.
Identifiers: ClinVar variation 1472096 (VCV001472096.8), dbSNP rs753778128, ClinGen allele CA616969.

ClinVar aggregate classification (germline): Uncertain significance (1 of 4 stars; one submission).

Allele frequency attached by ClinVar (database versions not stated): gnomAD 0.00001; ExAC 0.00002; TOPMed 0.00002.
gnomAD v4.1: 4 of 1,600,684 alleles (0.00025%); highest among the groups gnomAD compares: African/African-American, 0.004%; no homozygotes.

Submission:

Labcorp Genetics (formerly Invitae), Labcorp
Classification: Uncertain significance. Last evaluated: 2025-06-07. Review status: criteria provided, single submitter. Criteria: Invitae Variant Classification Sherloc (09022015). Collection method: clinical testing. Allele origin: germline.
Comment: This sequence change replaces lysine, which is basic and polar, with arginine, which is basic and polar, at codon 554 of the PLEKHM2 protein (p.Lys554Arg). This variant is present in population databases (rs753778128, gnomAD 0.009%). This variant has not been reported in the literature in individuals affected with PLEKHM2-related conditions. ClinVar contains an entry for this variant (Variation ID: 1472096). An algorithm developed to predict the effect of missense changes on protein structure and function (PolyPhen-2) suggests that this variant is likely to be tolerated. In summary, the available evidence is currently insufficient to determine the role of this variant in disease. Therefore, it has been classified as a Variant of Uncertain Significance.